The following is an entry in ClinVar:

NM_078470.6(COX15):c.199C>T (p.Arg67Trp)

Gene: COX15 (cytochrome c oxidase assembly factor COX15; minus strand). Cytogenetic location: 10q24.2.
Variant type: single nucleotide variant.
Coding change: c.199C>T on transcript NM_078470.6 (MANE Select); coding-DNA position 199, C replaced by T.
Protein change: p.Arg67Trp; replaces arginine 67 with tryptophan.
Molecular consequence: missense variant. On other transcripts: 5 prime UTR variant (1), non-coding transcript variant (1).
Genome position (GRCh38, 1-based): chr10:99,729,626, G>A on the plus strand (C>T on the coding strand, the complement: COX15 is on the minus strand). VCF-style: chr10-99729626-G-A. GRCh37 (hg19) VCF-style: chr10-101489383-G-A.
Other names: c.199C>T, p.Arg67Trp (NM_001320974.2, NM_001320975.2, NM_001372024.1 and 5 more transcripts); c.-256C>T (NM_001320976.2); short protein forms R67W.
Identifiers: ClinVar variation 2371578 (VCV002371578.7), dbSNP rs779258920, ClinGen allele CA5642334.
Genomic context (GRCh38, chr10:99,729,626, plus strand): 5'-CAAGAATAACTGCTCCAGCCACTGTTCCACTGCAGACCAGGAGCCATCGGCCCACCACCC[G>A]CTCAGCAGCCTTTGAGGGAAGGGACACTGTACCCCTTCCAGATTGCAAAGCTACTTCAGA-3'
Protein context (NP_510870.1, residues 57-77): TVSLPSKAAE[Arg67Trp]VVGRWLLVCS

ClinVar aggregate classification (germline): Uncertain significance. Review status: criteria provided, multiple submitters, no conflicts (2 of 4 stars). 2 submissions from 2 submitters: Uncertain significance (2). Last evaluated 2024-12-09.

Conditions:
Inborn genetic diseases. Identifiers: MedGen C0950123, MeSH D030342.

Allele frequency attached by ClinVar (database versions not stated): ExAC 0.00002; gnomAD 0.00002; TOPMed 0.00002; gnomAD exomes 0.00013.

Submissions (2):

Labcorp Genetics (formerly Invitae), Labcorp
Classification: Uncertain significance. Last evaluated: 2024-12-09. Review status: criteria provided, single submitter. Criteria: Invitae Variant Classification Sherloc (09022015). Collection method: clinical testing. Allele origin: germline.
Comment: This sequence change replaces arginine, which is basic and polar, with tryptophan, which is neutral and slightly polar, at codon 67 of the COX15 protein (p.Arg67Trp). This variant is present in population databases (rs779258920, gnomAD 0.007%). This variant has not been reported in the literature in individuals affected with COX15-related conditions. ClinVar contains an entry for this variant (Variation ID: 2371578). An algorithm developed to predict the effect of missense changes on protein structure and function (PolyPhen-2) suggests that this variant is likely to be disruptive. Algorithms developed to predict the effect of sequence changes on RNA splicing suggest that this variant may disrupt the consensus splice site. In summary, the available evidence is currently insufficient to determine the role of this variant in disease. Therefore, it has been classified as a Variant of Uncertain Significance.

Ambry Genetics
Classification: Uncertain significance for Inborn genetic diseases. Last evaluated: 2021-08-16. Review status: criteria provided, single submitter. Criteria: Ambry Variant Classification Scheme 2023. Collection method: clinical testing. Allele origin: germline.